The following is an entry in ClinVar:

ClinVar aggregate classification (germline): Uncertain significance. Review status: criteria provided, multiple submitters, no conflicts (2 of 4 stars). 2 submissions from 2 submitters: Uncertain significance (2). Last evaluated 2025-11-17.

Conditions:
Cardiovascular phenotype. Identifiers: MedGen CN230736.
Primary dilated cardiomyopathy (DCM). Also called: Dilated Cardiomyopathy. Identifiers: Orphanet 217604, MedGen C0007193, MeSH D002311, MONDO:0005021, HP:0001644. Inheritance: Various modes of inheritance.

Allele frequency attached by ClinVar (database versions not stated): TOPMed 0.00006; ESP Exome Variant Server 0.00008.
gnomAD v4.1: 20 of 1,614,246 alleles (0.0012%); highest among the groups gnomAD compares: Middle Eastern, 0.016%; no homozygotes.

Submissions (2):

Ambry Genetics
Classification: Uncertain significance for Cardiovascular phenotype. Last evaluated: 2025-11-17. Review status: criteria provided, single submitter. Criteria: Ambry Variant Classification Scheme 2023. Collection method: clinical testing. Allele origin: germline.

Labcorp Genetics (formerly Invitae), Labcorp
Classification: Uncertain significance for Primary dilated cardiomyopathy. Last evaluated: 2025-10-29. Review status: criteria provided, single submitter. Criteria: Invitae Variant Classification Sherloc (09022015). Collection method: clinical testing. Allele origin: germline.
Comment: This sequence change replaces alanine, which is neutral and non-polar, with glycine, which is neutral and non-polar, at codon 131 of the TXNRD2 protein (p.Ala131Gly). This variant is present in population databases (rs368359642, gnomAD 0.01%). This variant has not been reported in the literature in individuals affected with TXNRD2-related conditions. ClinVar contains an entry for this variant (Variation ID: 966377). Invitae Evidence Modeling of protein sequence and biophysical properties (such as structural, functional, and spatial information, amino acid conservation, physicochemical variation, residue mobility, and thermodynamic stability) indicates that this missense variant is not expected to disrupt TXNRD2 protein function with a negative predictive value of 80%. In summary, the available evidence is currently insufficient to determine the role of this variant in disease. Therefore, it has been classified as a Variant of Uncertain Significance.

NM_006440.5(TXNRD2):c.392C>G (p.Ala131Gly)

Gene: TXNRD2 (thioredoxin reductase 2; minus strand). Cytogenetic location: 22q11.21.
Variant type: single nucleotide variant.
Coding change: c.392C>G on transcript NM_006440.5 (MANE Select); coding-DNA position 392, C replaced by G.
Protein change: p.Ala131Gly; replaces alanine 131 with glycine.
Molecular consequence: missense variant. On other transcripts: non-coding transcript variant (1).
Genome position (GRCh38, 1-based): chr22:19,918,200, G>C on the plus strand (C>G on the coding strand, the complement: TXNRD2 is on the minus strand). VCF-style: chr22-19918200-G-C. GRCh37 (hg19) VCF-style: chr22-19905723-G-C.
Other names: c.392C>G, p.Ala131Gly (NM_001282512.3); c.389C>G, p.Ala130Gly (NM_001352300.2); c.302C>G, p.Ala101Gly (NM_001352301.2); c.104C>G, p.Ala35Gly (NM_001352302.2); c.296C>G, p.Ala99Gly (NM_001352303.2); short protein forms A99G, A101G, A131G, A35G, A130G.
Identifiers: ClinVar variation 966377 (VCV000966377.14), dbSNP rs368359642, ClinGen allele CA10104221.